The following is an entry in ClinVar:

NM_001244710.2(GFPT1):c.715C>T (p.Arg239Trp)

Gene: GFPT1 (glutamine--fructose-6-phosphate transaminase 1; minus strand). Cytogenetic location: 2p13.3.
Variant type: single nucleotide variant.
Coding change: c.715C>T on transcript NM_001244710.2 (MANE Select); coding-DNA position 715, C replaced by T.
Protein change: p.Arg239Trp; replaces arginine 239 with tryptophan.
Molecular consequence: missense variant. On other transcripts: intron variant (1).
Genome position (GRCh38, 1-based): chr2:69,354,283, G>A on the plus strand (C>T on the coding strand, the complement: GFPT1 is on the minus strand). VCF-style: chr2-69354283-G-A. GRCh37 (hg19) VCF-style: chr2-69581415-G-A.
Other names: c.685+206C>T (NM_002056.4); short protein forms R239W.
Identifiers: ClinVar variation 1464105 (VCV001464105.4), dbSNP rs779427303, ClinGen allele CA1693797.

ClinVar aggregate classification (germline): Uncertain significance (1 of 4 stars; one submission).

Conditions:
Congenital myasthenic syndrome 12 (CMS12). Also called: Myasthenia, congenital, 12, with tubular aggregates; MYASTHENIC SYNDROME, CONGENITAL, WITH TUBULAR AGGREGATES 1. Identifiers: Orphanet 353327, Orphanet 590, MedGen C3552335, MONDO:0012518, OMIM 610542.

Allele frequency attached by ClinVar (database versions not stated): gnomAD exomes 0.00001 and 0.00003; TOPMed 0.00002; ExAC 0.00003; gnomAD 0.00003.

Submission:

Labcorp Genetics (formerly Invitae), Labcorp
Classification: Uncertain significance for Congenital myasthenic syndrome 12. Last evaluated: 2024-08-09. Review status: criteria provided, single submitter. Criteria: Invitae Variant Classification Sherloc (09022015). Collection method: clinical testing. Allele origin: germline.
Comment: This sequence change replaces arginine, which is basic and polar, with tryptophan, which is neutral and slightly polar, at codon 239 of the GFPT1 protein (p.Arg239Trp). The frequency data for this variant in the population databases is considered unreliable, as metrics indicate poor data quality at this position in the gnomAD database. This variant has not been reported in the literature in individuals affected with GFPT1-related conditions. ClinVar contains an entry for this variant (Variation ID: 1464105). An algorithm developed to predict the effect of missense changes on protein structure and function outputs the following: PolyPhen-2: "Benign". The tryptophan amino acid residue is found in multiple mammalian species, which suggests that this missense change does not adversely affect protein function. In summary, the available evidence is currently insufficient to determine the role of this variant in disease. Therefore, it has been classified as a Variant of Uncertain Significance.